The following is an entry in ClinVar:

ClinVar aggregate classification (germline): Uncertain significance (1 of 4 stars; one submission).

Conditions:
Neurofibromatosis, type 1 (NF1). Also called: Neurofibromatosis, type I; NEUROFIBROMATOSIS, TYPE I, SOMATIC; Peripheral type neurofibromatosis; VON RECKLINGHAUSEN DISEASE. Identifiers: Orphanet 636, MedGen C0027831, MONDO:0018975, OMIM 162200. Disease mechanism: loss of function.

Submission:

Labcorp Genetics (formerly Invitae), Labcorp
Classification: Uncertain significance for Neurofibromatosis, type 1. Last evaluated: 2025-04-10. Review status: criteria provided, single submitter. Criteria: Invitae Variant Classification Sherloc (09022015). Collection method: clinical testing. Allele origin: germline.
Comment: This sequence change replaces phenylalanine, which is neutral and non-polar, with leucine, which is neutral and non-polar, at codon 1389 of the NF1 protein (p.Phe1389Leu). This variant is not present in population databases (gnomAD no frequency). This variant has not been reported in the literature in individuals affected with NF1-related conditions. ClinVar contains an entry for this variant (Variation ID: 404602). Invitae Evidence Modeling of protein sequence and biophysical properties (such as structural, functional, and spatial information, amino acid conservation, physicochemical variation, residue mobility, and thermodynamic stability) indicates that this missense variant is expected to disrupt NF1 protein function with a positive predictive value of 95%. In summary, the available evidence is currently insufficient to determine the role of this variant in disease. Therefore, it has been classified as a Variant of Uncertain Significance.

NM_001042492.3(NF1):c.4230C>G (p.Phe1410Leu)

Gene: NF1 (neurofibromin 1; plus strand). Cytogenetic location: 17q11.2.
Variant type: single nucleotide variant.
Coding change: c.4230C>G on transcript NM_001042492.3 (MANE Select); coding-DNA position 4230, C replaced by G.
Protein change: p.Phe1410Leu; replaces phenylalanine 1410 with leucine.
Molecular consequence: missense variant.
Genome position (GRCh38, 1-based): chr17:31,258,400, C>G. VCF-style: chr17-31258400-C-G. GRCh37 (hg19) VCF-style: chr17-29585418-C-G.
Other names: c.4167C>G, p.Phe1389Leu (NM_000267.4); short protein forms F1389L, F1410L.
Identifiers: ClinVar variation 404602 (VCV000404602.9), dbSNP rs750213850, ClinGen allele CA16615638.
Genomic context (GRCh38, chr17:31,258,400, plus strand): 5'-TTAGGTGGTTAGCCAGCGTTTCCCTCAGAACAGCATCGGTGCAGTAGGAAGTGCCATGTT[C>G]CTCAGATTTATCAATCCTGCCATTGTCTCACCGTATGAAGCAGGGATTTTAGATAAAAAG-3'
Protein context (NP_001035957.1, residues 1400-1420): NSIGAVGSAM[Phe1410Leu]LRFINPAIVS